The following is an entry in ClinVar:

ClinVar aggregate classification (germline): Conflicting classifications of pathogenicity. Review status: criteria provided, conflicting classifications (1 of 4 stars). 5 submissions from 5 submitters: Pathogenic (2); Likely pathogenic (1); Uncertain significance (2). Last evaluated 2024-05-29.

Conditions:
Bartter disease type 1. Also called: HYPERPROSTAGLANDIN E SYNDROME 1; HYPOKALEMIC ALKALOSIS WITH HYPERCALCIURIA 1, ANTENATAL; Bartter syndrome, type 1, antenatal; Bartter Syndrome type 1. Identifiers: Orphanet 112, Orphanet 620217, MedGen C1866495, MONDO:0100344, OMIM 601678, MONDO:0011127.
Bartter syndrome. Identifiers: Orphanet 112, MedGen C0004775, MONDO:0015231.

Allele frequency attached by ClinVar (database versions not stated): gnomAD exomes 0.00002; gnomAD 0.00003 and 0.00004; ExAC 0.00004; TOPMed 0.00006.
gnomAD v4.1: 25 of 1,612,816 alleles (0.0016%); highest among the groups gnomAD compares: African/African-American, 0.011%; no homozygotes.

Submissions (5):

Fulgent Genetics
Classification: Likely pathogenic for Bartter disease type 1. Last evaluated: 2024-05-29. Review status: criteria provided, single submitter. Criteria: ACMG Guidelines, 2015. Collection method: clinical testing. Allele origin: germline.

Women's Health and Genetics/Laboratory Corporation of America, LabCorp
Classification: Pathogenic for Bartter syndrome. Last evaluated: 2022-12-21. Review status: criteria provided, single submitter. Criteria: LabCorp Variant Classification Summary - May 2015. Collection method: clinical testing. Allele origin: germline.
Comment: Variant summary: SLC12A1 c.905G>A (p.Arg302Gln) results in a conservative amino acid change located in the Amino acid permease/ SLC12A domain (IPR004841) of the encoded protein sequence. Four of five in-silico tools predict a damaging effect of the variant on protein function. Although the variant is not located within the canonical splice site, at least one publication reports experimental evidence through utilization of a mini-gene splicing assay that this variant causes partial skipping of exon 7 which results in an in-frame deletion of codons 289-325, eliminating part of the protein domain. This splicing effect is likely due to a predicted inactivation of potential overlapping exonic splicing enhancers (ESEs) and generation of new exonic splicing silencers (ESSs) (Xin_2022). The variant allele was found at a frequency of 2e-05 in 249558 control chromosomes (gnomAD). c.905G>A has been reported in the literature as a homozygous genotype in at least two individuals affected with Bartter Syndrome (Vargas-Poussou_1998, Ashton_2018). These data indicate that the variant is likely to be associated with disease. Two ClinVar submitters have assessed the variant since 2014: one classified the variant as uncertain significance and the other as pathogenic. Based on the evidence outlined above, the variant was classified as pathogenic.

Mendelics
Classification: Pathogenic for Bartter disease type 1. Last evaluated: 2022-05-04. Review status: criteria provided, single submitter. Criteria: Mendelics Assertion Criteria 2019. Collection method: clinical testing. Allele origin: germline.

Labcorp Genetics (formerly Invitae), Labcorp
Classification: Uncertain significance. Last evaluated: 2022-04-04. Review status: criteria provided, single submitter. Criteria: Invitae Variant Classification Sherloc (09022015). Collection method: clinical testing. Allele origin: germline.
Comment: This sequence change replaces arginine, which is basic and polar, with glutamine, which is neutral and polar, at codon 302 of the SLC12A1 protein (p.Arg302Gln). This variant is present in population databases (rs747229048, gnomAD 0.02%). This missense change has been observed in individual(s) with Bartter syndrome (PMID: 9585600). ClinVar contains an entry for this variant (Variation ID: 285887). Algorithms developed to predict the effect of missense changes on protein structure and function are either unavailable or do not agree on the potential impact of this missense change (SIFT: "Tolerated"; PolyPhen-2: "Probably Damaging"; Align-GVGD: "Class C0"). In summary, the available evidence is currently insufficient to determine the role of this variant in disease. Therefore, it has been classified as a Variant of Uncertain Significance.

Eurofins Ntd Llc (ga)
Classification: Uncertain significance. Last evaluated: 2016-02-16. Review status: criteria provided, single submitter. Criteria: EGL Classification Definitions 2015. Collection method: clinical testing. Allele origin: germline. Observed: 1 variant allele, 1 heterozygote.

Literature cited by the submitters: PubMed 29398133 (cited by Women's Health and Genetics/Laboratory Corporation of America, LabCorp); PubMed 9585600 (cited by Women's Health and Genetics/Laboratory Corporation of America, LabCorp and Labcorp Genetics (formerly Invitae), Labcorp); PubMed 36092934 (cited by Women's Health and Genetics/Laboratory Corporation of America, LabCorp).

NM_000338.3(SLC12A1):c.905G>A (p.Arg302Gln)

Gene: SLC12A1 (solute carrier family 12 member 1; plus strand). Cytogenetic location: 15q21.1.
Variant type: single nucleotide variant.
Coding change: c.905G>A on transcript NM_000338.3 (MANE Select); coding-DNA position 905, G replaced by A.
Protein change: p.Arg302Gln; replaces arginine 302 with glutamine.
Molecular consequence: missense variant.
Genome position (GRCh38, 1-based): chr15:48,230,433, G>A. VCF-style: chr15-48230433-G-A. GRCh37 (hg19) VCF-style: chr15-48522630-G-A.
Other names: c.905G>A, p.Arg302Gln (NM_001184832.2); short protein forms R302Q.
Identifiers: ClinVar variation 285887 (VCV000285887.10), dbSNP rs747229048, ClinGen allele CA7546932.